The following is an entry in ClinVar:

NM_025132.4(WDR19):c.891-1_891delinsAT

Gene: WDR19 (WD repeat domain 19; plus strand). Cytogenetic location: 4p14.
Variant type: Indel.
Coding change: c.891-1_891delinsAT on transcript NM_025132.4 (MANE Select); the canonical splice acceptor site of the intron before coding-DNA position 891 through coding-DNA position 891, GC replaced by AT.
Molecular consequence: splice acceptor variant.
Genome position (GRCh38, 1-based): chr4:39,214,600-39,214,601, GC replaced by AT. VCF-style: chr4-39214600-GC-AT. GRCh37 (hg19) VCF-style: chr4-39216220-GC-AT.
Other names: c.411-1_411delinsAT (NM_001317924.2).
Identifiers: ClinVar variation 1492541 (VCV001492541.6), dbSNP rs2109322692, ClinGen allele CA2573137685.
Genomic context (GRCh38, chr4:39,214,600, plus strand): 5'-ATTAAAACAGTTTTATATAAAGATCATATATATTTTTTAATAATGCATTTTTGTTTTTCA[GC>AT]ATTAAAATCCAAGACTTGGTTGACTTAAAAGACATGTATGTTATACTCAACCTGGATGAG-3'

ClinVar aggregate classification (germline): Likely pathogenic (1 of 4 stars; one submission).

Conditions:
Asphyxiating thoracic dystrophy 5 (SRTD5). Also called: SHORT-RIB THORACIC DYSPLASIA 5 WITH OR WITHOUT POLYDACTYLY; SHORT-RIB THORACIC DYSPLASIA 5 WITHOUT POLYDACTYLY. Identifiers: Orphanet 474, MedGen C3280598, MONDO:0013717, OMIM 614376.
Senior-Loken syndrome 8 (SLSN8). Identifiers: Orphanet 3156, MedGen C4225376, MONDO:0014579, OMIM 616307.

Submission:

Labcorp Genetics (formerly Invitae), Labcorp
Classification: Likely pathogenic for Senior-Loken syndrome 8; Asphyxiating thoracic dystrophy 5. Last evaluated: 2023-11-28. Review status: criteria provided, single submitter. Criteria: Invitae Variant Classification Sherloc (09022015). Collection method: clinical testing. Allele origin: germline.
Comment: This sequence change affects an acceptor splice site in intron 9 of the WDR19 gene. It is expected to disrupt RNA splicing. Variants that disrupt the donor or acceptor splice site typically lead to a loss of protein function (PMID: 16199547), and loss-of-function variants in WDR19 are known to be pathogenic (PMID: 22019273, 23559409, 23683095, 26275793, 27241786, 29068549). Information on the frequency of this variant in the gnomAD database is not available, as this variant may be reported differently in the database. This variant has not been reported in the literature in individuals affected with WDR19-related conditions. ClinVar contains an entry for this variant (Variation ID: 1492541). In summary, the currently available evidence indicates that the variant is pathogenic, but additional data are needed to prove that conclusively. Therefore, this variant has been classified as Likely Pathogenic.

Literature cited by the submitters: PubMed 16199547; PubMed 22019273; PubMed 23559409; PubMed 23683095; PubMed 26275793; PubMed 27241786; PubMed 29068549.